The following is an entry in ClinVar:

NM_005101.4(ISG15):c.17C>T (p.Thr6Met)

Gene: ISG15 (ISG15 ubiquitin like modifier; plus strand). Cytogenetic location: 1p36.33.
Variant type: single nucleotide variant.
Coding change: c.17C>T on transcript NM_005101.4 (MANE Select); coding-DNA position 17, C replaced by T.
Protein change: p.Thr6Met; replaces threonine 6 with methionine.
Molecular consequence: missense variant.
Genome position (GRCh38, 1-based): chr1:1,013,997, C>T. VCF-style: chr1-1013997-C-T. GRCh37 (hg19) VCF-style: chr1-949377-C-T.
Other names: short protein forms T6M.
Identifiers: ClinVar variation 2085125 (VCV002085125.3), dbSNP rs199853706, ClinGen allele CA507594.
Genomic context (GRCh38, chr1:1,013,997, plus strand): 5'-GGCCTGGGGCTGGCGCCGCAGTCTCTGAACCTGTGTGACGCCTGCAGGGCTGGGACCTGA[C>T]GGTGAAGATGCTGGCGGGCAACGAATTCCAGGTGTCCCTGAGCAGCTCCATGTCGGTGTC-3'
Protein context (NP_005092.1, residues 1-16): MGWDL[Thr6Met]VKMLAGNEFQ

ClinVar aggregate classification (germline): Uncertain significance. Review status: criteria provided, multiple submitters, no conflicts (2 of 4 stars). 2 submissions from 2 submitters: Uncertain significance (2). Last evaluated 2026-01-11.

Conditions:
Mendelian susceptibility to mycobacterial diseases due to complete ISG15 deficiency. Also called: IMMUNODEFICIENCY 38, MYCOBACTERIOSIS, AUTOSOMAL RECESSIVE; ISG15 DEFICIENCY, AUTOSOMAL RECESSIVE; Immunodeficiency 38 with basal ganglia calcification; Immunodeficiency 38. Identifiers: Orphanet 319563, MedGen C4015293, MONDO:0014502, OMIM 616126.

Allele frequency attached by ClinVar (database versions not stated): gnomAD exomes 0.00003; ExAC 0.00004; gnomAD 0.00005; TOPMed 0.00005; 1000 Genomes Project 0.00020; 1000 Genomes Project 30x 0.00031.
gnomAD v4.1: 51 of 1,599,210 alleles (0.0032%); highest among the groups gnomAD compares: Admixed American, 0.049%; no homozygotes.

Submissions (2):

Labcorp Genetics (formerly Invitae), Labcorp
Classification: Uncertain significance for Mendelian susceptibility to mycobacterial diseases due to complete ISG15 deficiency. Last evaluated: 2026-01-11. Review status: criteria provided, single submitter. Criteria: Invitae Variant Classification Sherloc (09022015). Collection method: clinical testing. Allele origin: germline.
Comment: This sequence change replaces threonine, which is neutral and polar, with methionine, which is neutral and non-polar, at codon 6 of the ISG15 protein (p.Thr6Met). This variant is present in population databases (rs199853706, gnomAD 0.06%). This variant has not been reported in the literature in individuals affected with ISG15-related conditions. ClinVar contains an entry for this variant (Variation ID: 2085125). An algorithm developed to predict the effect of missense changes on protein structure and function (PolyPhen-2) suggests that this variant is likely to be disruptive. In summary, the available evidence is currently insufficient to determine the role of this variant in disease. Therefore, it has been classified as a Variant of Uncertain Significance.

Ambry Genetics
Classification: Uncertain significance. Last evaluated: 2022-07-13. Review status: criteria provided, single submitter. Criteria: Ambry Variant Classification Scheme 2023. Collection method: clinical testing. Allele origin: germline.